The following is an entry in ClinVar:

NM_000478.6(ALPL):c.782C>A (p.Pro261Gln)

Gene: ALPL (alkaline phosphatase, biomineralization associated; plus strand). Cytogenetic location: 1p36.12.
Variant type: single nucleotide variant.
Coding change: c.782C>A on transcript NM_000478.6 (MANE Select); coding-DNA position 782, C replaced by A.
Protein change: p.Pro261Gln; replaces proline 261 with glutamine.
Molecular consequence: missense variant.
Genome position (GRCh38, 1-based): chr1:21,568,237, C>A. VCF-style: chr1-21568237-C-A. GRCh37 (hg19) VCF-style: chr1-21894730-C-A.
Other names: c.617C>A, p.Pro206Gln (NM_001127501.4); c.551C>A, p.Pro184Gln (NM_001177520.3); c.782C>A, p.Pro261Gln (NM_001369803.2, NM_001369804.2, NM_001369805.2); short protein forms P206Q, P184Q, P261Q.
Identifiers: ClinVar variation 3703903 (VCV003703903.4).

ClinVar aggregate classification (germline): Uncertain significance. Review status: criteria provided, multiple submitters, no conflicts (2 of 4 stars). 3 submissions from 3 submitters: Uncertain significance (3). Last evaluated 2025-08-29.

Conditions:
Hypophosphatasia. Also called: Phosphoethanol-aminuria. Identifiers: Orphanet 436, MedGen C0020630, MeSH D007014, MONDO:0018570.

gnomAD v4.1: 3 of 1,614,008 alleles (0.00019%); highest among the groups gnomAD compares: East Asian, 0.0045%; no homozygotes.

Submissions (3):

Genomenon, Inc
Classification: Uncertain significance for Hypophosphatasia. Last evaluated: 2025-08-29. Review status: criteria provided, single submitter. Criteria: Genomenon Sequence Variant Interpretation Standards. Collection method: curation. Allele origin: germline. Affected: yes.
Comment: ALPL c.782C>A is a missense variant that changes the amino acid at residue 261 from Proline to Glutamine. This variant has been observed in at least one proband affected with hypophosphatasia (PMID:37107680). It is absent or not present at a significant frequency in gnomAD. In conclusion, we classify ALPL p.Pro261Gln (c.782C>A) as a variant of unknown significance.

JKU Lab, Dept of Paediatrics, Johannes Kepler University
Classification: Uncertain significance for Hypophosphatasia. Last evaluated: 2025-08-28. Review status: criteria provided, single submitter. Criteria: ACMG Guidelines, 2015. Collection method: curation. Allele origin: germline.
Comment: This missense variant is present in GnomAD 4.1 (f = 0.00004458 in the East-Asian population) and affects a highly conserved amino acid in the active site domain. The variant is predicted to not affect protein function (REVEL score: 0.63). Splice-prediction algorithms predict no effect on splicing. This variant has been reported in the literature in individuals affected with ALPL-related conditions (PMID:37107680).

Labcorp Genetics (formerly Invitae), Labcorp
Classification: Uncertain significance. Last evaluated: 2024-06-26. Review status: criteria provided, single submitter. Criteria: Invitae Variant Classification Sherloc (09022015). Collection method: clinical testing. Allele origin: germline.
Comment: This sequence change replaces proline, which is neutral and non-polar, with glutamine, which is neutral and polar, at codon 261 of the ALPL protein (p.Pro261Gln). This variant is present in population databases (rs765149569, gnomAD 0.02%). This variant has not been reported in the literature in individuals affected with ALPL-related conditions. Advanced modeling of protein sequence and biophysical properties (such as structural, functional, and spatial information, amino acid conservation, physicochemical variation, residue mobility, and thermodynamic stability) performed at Invitae indicates that this missense variant is expected to disrupt ALPL protein function with a positive predictive value of 95%. In summary, the available evidence is currently insufficient to determine the role of this variant in disease. Therefore, it has been classified as a Variant of Uncertain Significance.

Literature cited by the submitters: PubMed 37107680 (cited by Genomenon, Inc and JKU Lab, Dept of Paediatrics, Johannes Kepler University).